The following is an entry in ClinVar:

ClinVar aggregate classification (germline): Uncertain significance. Review status: criteria provided, multiple submitters, no conflicts (2 of 4 stars). 2 submissions from 2 submitters: Uncertain significance (2). Last evaluated 2023-03-15.

Conditions:
Deafness-lymphedema-leukemia syndrome. Also called: Emberger syndrome; Lymphedema, primary, with myelodysplasia. Identifiers: Orphanet 3226, MedGen C3279664, MONDO:0013540, OMIM 614038.
Monocytopenia with susceptibility to infections. Also called: MONOCYTOPENIA AND MYCOBACTERIAL INFECTION SYNDROME; MONOCYTOPENIA WITH SUSCEPTIBILITY TO MYCOBACTERIAL, FUNGAL, AND PAPILLOMAVIRUS INFECTIONS AND MYELODYSPLASIA; COMBINED IMMUNODEFICIENCY WITH SUSCEPTIBILITY TO MYCOBACTERIAL, VIRAL, AND FUNGAL INFECTIONS; GATA2 DEFICIENCY; IMMUNODEFICIENCY 21; Dendritic cell, monocyte, B lymphocyte, and natural killer lymphocyte deficiency. Identifiers: Orphanet 228423, MedGen C3280030, MONDO:0013607, OMIM 614172.

Submissions (2):

Labcorp Genetics (formerly Invitae), Labcorp
Classification: Uncertain significance for Monocytopenia with susceptibility to infections; Deafness-lymphedema-leukemia syndrome. Last evaluated: 2023-03-15. Review status: criteria provided, single submitter. Criteria: Invitae Variant Classification Sherloc (09022015). Collection method: clinical testing. Allele origin: germline.
Comment: In summary, the available evidence is currently insufficient to determine the role of this variant in disease. Therefore, it has been classified as a Variant of Uncertain Significance. Advanced modeling of protein sequence and biophysical properties (such as structural, functional, and spatial information, amino acid conservation, physicochemical variation, residue mobility, and thermodynamic stability) performed at Invitae indicates that this missense variant is expected to disrupt GATA2 protein function. ClinVar contains an entry for this variant (Variation ID: 1308903). This variant has not been reported in the literature in individuals affected with GATA2-related conditions. This variant is not present in population databases (gnomAD no frequency). This sequence change replaces proline, which is neutral and non-polar, with leucine, which is neutral and non-polar, at codon 385 of the GATA2 protein (p.Pro385Leu).

GeneDx
Classification: Uncertain significance. Last evaluated: 2019-08-23. Review status: criteria provided, single submitter. Criteria: GeneDx Variant Classification Process June 2021. Collection method: clinical testing. Allele origin: germline. Affected: yes.
Comment: Not observed in large population cohorts (Lek 2016); In silico analysis, which includes protein predictors and evolutionary conservation, supports a deleterious effect; Has not been previously published as a pathogenic or benign germline variant to our knowledge; This variant is associated with the following publications: (PMID: 23560626)

NM_032638.5(GATA2):c.1154C>T (p.Pro385Leu)

Gene: GATA2 (GATA binding protein 2; minus strand). Cytogenetic location: 3q21.3.
Variant type: single nucleotide variant.
Coding change: c.1154C>T on transcript NM_032638.5 (MANE Select); coding-DNA position 1154, C replaced by T.
Protein change: p.Pro385Leu; replaces proline 385 with leucine.
Molecular consequence: missense variant.
Genome position (GRCh38, 1-based): chr3:128,481,308, G>A on the plus strand (C>T on the coding strand, the complement: GATA2 is on the minus strand). VCF-style: chr3-128481308-G-A. GRCh37 (hg19) VCF-style: chr3-128200151-G-A.
Other names: c.1154C>T, p.Pro385Leu (NM_001145661.2); c.1112C>T, p.Pro371Leu (NM_001145662.1); short protein forms P371L, P385L.
Identifiers: ClinVar variation 1308903 (VCV001308903.5), dbSNP rs2107668121, ClinGen allele CA354413373.